The following is an entry in ClinVar:

ClinVar aggregate classification (germline): Likely benign. Review status: criteria provided, multiple submitters, no conflicts (2 of 4 stars). 4 submissions from 4 submitters: Likely benign (4). Last evaluated 2026-03-10.

Conditions:
FLNC-related disorder. Also called: FLNC-related disorders; FLNC-related condition.
Distal myopathy with posterior leg and anterior hand involvement. Also called: WILLIAMS DISTAL MYOPATHY. Identifiers: Orphanet 63273, MedGen C3279722, MONDO:0013550, OMIM 614065.
Hypertrophic cardiomyopathy 26. Also called: Cardiomyopathy, familial hypertrophic, 26. Identifiers: Orphanet 75249, MedGen C4310749, MONDO:0014883, OMIM 617047.
Myofibrillar myopathy 5. Also called: Filaminopathy (type); FILAMINOPATHY, AUTOSOMAL DOMINANT. Identifiers: Orphanet 171445, MedGen C1836050, MONDO:0012289, OMIM 609524.
Cardiovascular phenotype. Identifiers: MedGen CN230736.

Allele frequency attached by ClinVar (database versions not stated): TOPMed 0.00001; ExAC 0.00002; gnomAD 0.00002; gnomAD exomes 0.00003 and 0.00007.
gnomAD v4.1: 101 of 1,614,004 alleles (0.0063%); highest among the groups gnomAD compares: Non-Finnish European, 0.0075%; no homozygotes.

Submissions (4):

Women's Health and Genetics/Laboratory Corporation of America, LabCorp
Classification: Likely benign. Last evaluated: 2026-03-10. Review status: criteria provided, single submitter. Criteria: LabCorp Variant Classification Summary - May 2015. Collection method: clinical testing. Allele origin: germline.

Labcorp Genetics (formerly Invitae), Labcorp
Classification: Likely benign for Distal myopathy with posterior leg and anterior hand involvement; Myofibrillar myopathy 5; Hypertrophic cardiomyopathy 26. Last evaluated: 2025-07-06. Review status: criteria provided, single submitter. Criteria: Invitae Variant Classification Sherloc (09022015). Collection method: clinical testing. Allele origin: germline.

PreventionGenetics, part of Exact Sciences
Classification: Likely benign for FLNC-related condition. Last evaluated: 2025-04-27. Review status: criteria provided, single submitter. Criteria: ACMG Guidelines, 2015. Collection method: clinical testing. Allele origin: germline.
Comment: This variant is classified as likely benign based on ACMG/AMP sequence variant interpretation guidelines (Richards et al. 2015 PMID: 25741868, with internal and published modifications).

Ambry Genetics
Classification: Likely benign for Cardiovascular phenotype. Last evaluated: 2020-01-17. Review status: criteria provided, single submitter. Criteria: Ambry Variant Classification Scheme 2023. Collection method: clinical testing. Allele origin: germline.

NM_001458.5(FLNC):c.2691C>T (p.Ala897=)

Gene: FLNC (filamin C; plus strand). Cytogenetic location: 7q32.1.
Variant type: single nucleotide variant.
Coding change: c.2691C>T on transcript NM_001458.5 (MANE Select); coding-DNA position 2691, C replaced by T.
Protein change: p.Ala897=; no amino-acid change (alanine 897 retained).
Molecular consequence: synonymous variant.
Genome position (GRCh38, 1-based): chr7:128,843,457, C>T. VCF-style: chr7-128843457-C-T. GRCh37 (hg19) VCF-style: chr7-128483511-C-T.
Other names: c.2691C>T, p.Ala897= (NM_001127487.2).
Identifiers: ClinVar variation 1117427 (VCV001117427.13), dbSNP rs758116420, ClinGen allele CA4474823.